The following is an entry in ClinVar:

NM_006922.4(SCN3A):c.5147C>T (p.Ala1716Val)

Gene: SCN3A (sodium voltage-gated channel alpha subunit 3; minus strand). Cytogenetic location: 2q24.3.
Variant type: single nucleotide variant.
Coding change: c.5147C>T on transcript NM_006922.4 (MANE Select); coding-DNA position 5147, C replaced by T.
Protein change: p.Ala1716Val; replaces alanine 1716 with valine.
Molecular consequence: missense variant.
Genome position (GRCh38, 1-based): chr2:165,091,006, G>A on the plus strand (C>T on the coding strand, the complement: SCN3A is on the minus strand). VCF-style: chr2-165091006-G-A. GRCh37 (hg19) VCF-style: chr2-165947516-G-A.
Other names: c.5000C>T, p.Ala1667Val (NM_001081676.2, NM_001081677.2); short protein forms A1667V, A1716V.
Identifiers: ClinVar variation 947347 (VCV000947347.9), dbSNP rs200299687, ClinGen allele CA59708729.

ClinVar aggregate classification (germline): Uncertain significance (1 of 4 stars; one submission).

Allele frequency attached by ClinVar (database versions not stated): gnomAD exomes 0.00001; gnomAD 0.00002; TOPMed 0.00002.
gnomAD v4.1: 12 of 1,613,996 alleles (0.00074%); highest among the groups gnomAD compares: African/African-American, 0.0013%; no homozygotes.

Submission:

Labcorp Genetics (formerly Invitae), Labcorp
Classification: Uncertain significance. Last evaluated: 2025-09-10. Review status: criteria provided, single submitter. Criteria: Invitae Variant Classification Sherloc (09022015). Collection method: clinical testing. Allele origin: germline.
Comment: This sequence change replaces alanine, which is neutral and non-polar, with valine, which is neutral and non-polar, at codon 1716 of the SCN3A protein (p.Ala1716Val). This variant is not present in population databases (gnomAD no frequency). This variant has not been reported in the literature in individuals affected with SCN3A-related conditions. ClinVar contains an entry for this variant (Variation ID: 947347). Invitae Evidence Modeling of protein sequence and biophysical properties (such as structural, functional, and spatial information, amino acid conservation, physicochemical variation, residue mobility, and thermodynamic stability) has been performed for this missense variant. However, the output from this modeling did not meet the statistical confidence thresholds required to predict the impact of this variant on SCN3A protein function. In summary, the available evidence is currently insufficient to determine the role of this variant in disease. Therefore, it has been classified as a Variant of Uncertain Significance.